The following is an entry in ClinVar:

NM_001111.5(ADAR):c.1801A>G (p.Thr601Ala)

Gene: ADAR (adenosine deaminase RNA specific; minus strand). Cytogenetic location: 1q21.3.
Variant type: single nucleotide variant.
Coding change: c.1801A>G on transcript NM_001111.5 (MANE Select); coding-DNA position 1801, A replaced by G.
Protein change: p.Thr601Ala; replaces threonine 601 with alanine.
Molecular consequence: missense variant.
Genome position (GRCh38, 1-based): chr1:154,597,961, T>C on the plus strand (A>G on the coding strand, the complement: ADAR is on the minus strand). VCF-style: chr1-154597961-T-C. GRCh37 (hg19) VCF-style: chr1-154570437-T-C.
Other names: c.916A>G, p.Thr306Ala (NM_001025107.3, NM_001193495.2, NM_001365046.1 and 3 more transcripts); c.1828A>G, p.Thr610Ala (NM_001365045.1); c.1801A>G, p.Thr601Ala (NM_015840.4, NM_015841.4); short protein forms T610A, T306A, T601A.
Identifiers: ClinVar variation 841529 (VCV000841529.12), dbSNP rs556625861, ClinGen allele CA1131456.

ClinVar aggregate classification (germline): Uncertain significance. Review status: criteria provided, multiple submitters, no conflicts (2 of 4 stars). 4 submissions from 4 submitters: Uncertain significance (4). Last evaluated 2025-11-23.

Conditions:
Aicardi-Goutieres syndrome 6 (AGS6). Identifiers: Orphanet 51, MedGen C3539013, MONDO:0014007, OMIM 615010.
Symmetrical dyschromatosis of extremities (DSH). Also called: RETICULATE ACROPIGMENTATION OF DOHI; SYMMETRIC DYSCHROMATOSIS OF THE EXTREMITIES; Dyschromatosis symmetrica hereditaria; DYSCHROMATOSIS SYMMETRICA HEREDITARIA 1. Identifiers: Orphanet 41, MedGen C0406775, MONDO:0007483, OMIM 127400.
Inborn genetic diseases. Identifiers: MedGen C0950123, MeSH D030342.

Allele frequency attached by ClinVar (database versions not stated): gnomAD 0.00001; TOPMed 0.00001; gnomAD exomes 0.00003 and 0.00004; ExAC 0.00004; 1000 Genomes Project 30x 0.00016; 1000 Genomes Project 0.00020.
gnomAD v4.1: 40 of 1,612,946 alleles (0.0025%); highest among the groups gnomAD compares: South Asian, 0.038%; 1 homozygote.

Submissions (4):

Labcorp Genetics (formerly Invitae), Labcorp
Classification: Uncertain significance for Aicardi-Goutieres syndrome 6; Symmetrical dyschromatosis of extremities. Last evaluated: 2025-11-23. Review status: criteria provided, single submitter. Criteria: Invitae Variant Classification Sherloc (09022015). Collection method: clinical testing. Allele origin: germline.
Comment: This sequence change replaces threonine, which is neutral and polar, with alanine, which is neutral and non-polar, at codon 601 of the ADAR protein (p.Thr601Ala). This variant is present in population databases (rs556625861, gnomAD 0.03%). This variant has not been reported in the literature in individuals affected with ADAR-related conditions. ClinVar contains an entry for this variant (Variation ID: 841529). Invitae Evidence Modeling of protein sequence and biophysical properties (such as structural, functional, and spatial information, amino acid conservation, physicochemical variation, residue mobility, and thermodynamic stability) indicates that this missense variant is not expected to disrupt ADAR protein function with a negative predictive value of 80%. In summary, the available evidence is currently insufficient to determine the role of this variant in disease. Therefore, it has been classified as a Variant of Uncertain Significance.

Genome-Nilou Lab
Classification: Uncertain significance for Aicardi-Goutieres syndrome 6. Last evaluated: 2023-04-11. Review status: criteria provided, single submitter. Criteria: ACMG Guidelines, 2015. Collection method: clinical testing. Allele origin: germline. Affected: no.

Blueprint Genetics
Classification: Uncertain significance. Last evaluated: 2021-12-08. Review status: criteria provided, single submitter. Criteria: ACMG Guidelines, 2015. Collection method: clinical testing. Allele origin: germline.

Ambry Genetics
Classification: Uncertain significance for Inborn genetic diseases. Last evaluated: 2021-10-12. Review status: criteria provided, single submitter. Criteria: Ambry Variant Classification Scheme 2023. Collection method: clinical testing. Allele origin: germline.